The following is an entry in ClinVar:

ClinVar aggregate classification (germline): Uncertain significance (1 of 4 stars; one submission).

Conditions:
Tuberous sclerosis 1 (TSC1). Identifiers: Orphanet 805, MedGen C1854465, MONDO:0008612, OMIM 191100.

gnomAD v4.1: 1 of 1,614,136 alleles (0.000062%); highest among the groups gnomAD compares: Non-Finnish European, 0.000085%; no homozygotes.

Submission:

Labcorp Genetics (formerly Invitae), Labcorp
Classification: Uncertain significance for Tuberous sclerosis 1. Last evaluated: 2022-06-03. Review status: criteria provided, single submitter. Criteria: Invitae Variant Classification Sherloc (09022015). Collection method: clinical testing. Allele origin: germline.
Comment: In summary, the available evidence is currently insufficient to determine the role of this variant in disease. Therefore, it has been classified as a Variant of Uncertain Significance. Algorithms developed to predict the effect of missense changes on protein structure and function (SIFT, PolyPhen-2, Align-GVGD) all suggest that this variant is likely to be tolerated. This variant has not been reported in the literature in individuals affected with TSC1-related conditions. This variant is not present in population databases (gnomAD no frequency). This sequence change replaces leucine, which is neutral and non-polar, with valine, which is neutral and non-polar, at codon 400 of the TSC1 protein (p.Leu400Val).

NM_000368.5(TSC1):c.1198C>G (p.Leu400Val)

Gene: TSC1 (TSC complex subunit 1; minus strand). Cytogenetic location: 9q34.13.
Variant type: single nucleotide variant.
Coding change: c.1198C>G on transcript NM_000368.5 (MANE Select); coding-DNA position 1198, C replaced by G.
Protein change: p.Leu400Val; replaces leucine 400 with valine.
Molecular consequence: missense variant.
Genome position (GRCh38, 1-based): chr9:132,910,636, G>C on the plus strand (C>G on the coding strand, the complement: TSC1 is on the minus strand). VCF-style: chr9-132910636-G-C. GRCh37 (hg19) VCF-style: chr9-135786023-G-C.
Other names: c.1195C>G, p.Leu399Val (NM_001162426.2, NM_001406597.1, NM_001406598.1 and 6 more transcripts); c.1045C>G, p.Leu349Val (NM_001162427.2, NM_001406610.1); c.835C>G, p.Leu279Val (NM_001362177.2, NM_001406614.1, NM_001406615.1 and 5 more transcripts); c.1198C>G, p.Leu400Val (NM_001406592.1, NM_001406593.1, NM_001406594.1 and 7 more transcripts); c.1042C>G, p.Leu348Val (NM_001406612.1, NM_001406613.1, NM_001406611.1); c.832C>G, p.Leu278Val (NM_001406620.1, NM_001406621.1, NM_001406622.1 and 2 more transcripts); c.247C>G, p.Leu83Val (NM_001406626.1); c.244C>G, p.Leu82Val (NM_001406627.1, NM_001406628.1); and 1 more; short protein forms L400V, L278V, L279V, L348V, L399V, L49V, L83V, L349V.
Identifiers: ClinVar variation 2002147 (VCV002002147.4), dbSNP rs773160913, ClinGen allele CA375367003.